The following is an entry in ClinVar:

NM_001083116.3(PRF1):c.97C>T (p.Arg33Cys)

Gene: PRF1 (perforin 1; minus strand). Cytogenetic location: 10q22.1.
Variant type: single nucleotide variant.
Coding change: c.97C>T on transcript NM_001083116.3 (MANE Select); coding-DNA position 97, C replaced by T.
Protein change: p.Arg33Cys; replaces arginine 33 with cysteine.
Molecular consequence: missense variant.
Genome position (GRCh38, 1-based): chr10:70,600,806, G>A on the plus strand (C>T on the coding strand, the complement: PRF1 is on the minus strand). VCF-style: chr10-70600806-G-A. GRCh37 (hg19) VCF-style: chr10-72360562-G-A.
Other names: c.97C>T, p.Arg33Cys (NM_005041.6); short protein forms R33C.
Identifiers: ClinVar variation 997654 (VCV000997654.9), dbSNP rs777782785, ClinGen allele CA5539126.

ClinVar aggregate classification (germline): Uncertain significance. Review status: criteria provided, multiple submitters, no conflicts (2 of 4 stars). 3 submissions from 3 submitters: Uncertain significance (3). Last evaluated 2024-09-26.

Conditions:
Aplastic anemia. Identifiers: Orphanet 182040, Orphanet 88, MedGen C0002874, MONDO:0015909, OMIM 609135, HP:0001915.
Familial hemophagocytic lymphohistiocytosis 2 (FHL2). Also called: PRF1-Related Familial Hemophagocytic Lymphohistiocytosis (PRF1-fHLH). Identifiers: Orphanet 540, MedGen C1863727, MONDO:0011337, OMIM 603553.

Allele frequency attached by ClinVar (database versions not stated): gnomAD 0.00004 and 0.00003; TOPMed 0.00003.
gnomAD v4.1: 20 of 1,611,900 alleles (0.0012%); highest among the groups gnomAD compares: Middle Eastern, 0.017%; no homozygotes.

Submissions (3):

Blueprint Genetics
Classification: Uncertain significance. Last evaluated: 2024-09-26. Review status: criteria provided, single submitter. Criteria: ACMG Guidelines, 2015. Collection method: clinical testing. Allele origin: germline.

Labcorp Genetics (formerly Invitae), Labcorp
Classification: Uncertain significance for Familial hemophagocytic lymphohistiocytosis 2. Last evaluated: 2022-08-01. Review status: criteria provided, single submitter. Criteria: Invitae Variant Classification Sherloc (09022015). Collection method: clinical testing. Allele origin: germline.
Comment: This sequence change replaces arginine, which is basic and polar, with cysteine, which is neutral and slightly polar, at codon 33 of the PRF1 protein (p.Arg33Cys). This variant is present in population databases (rs777782785, gnomAD 0.01%). This variant has not been reported in the literature in individuals affected with PRF1-related conditions. ClinVar contains an entry for this variant (Variation ID: 997654). Algorithms developed to predict the effect of missense changes on protein structure and function are either unavailable or do not agree on the potential impact of this missense change (SIFT: "Deleterious"; PolyPhen-2: "Possibly Damaging"; Align-GVGD: "Class C0"). In summary, the available evidence is currently insufficient to determine the role of this variant in disease. Therefore, it has been classified as a Variant of Uncertain Significance.

Baylor Genetics
Classification: Uncertain significance for Aplastic anemia. Last evaluated: 2020-11-23. Review status: criteria provided, single submitter. Criteria: ACMG Guidelines, 2015. Collection method: clinical testing. Allele origin: unknown. Affected: yes. Study: CSER-TexasKidsCanSeq.
Comment: This variant was determined to be of uncertain significance according to ACMG Guidelines, 2015 [PMID:25741868].